The following is an entry in ClinVar:

ClinVar aggregate classification (germline): Pathogenic. Review status: criteria provided, multiple submitters, no conflicts (2 of 4 stars). 4 submissions from 4 submitters: Pathogenic (4). Last evaluated 2025-08-13.

Conditions:
PALB2-related disorder. Also called: PALB2-related disorders; PALB2-related condition.
Hereditary cancer-predisposing syndrome. Also called: Neoplastic Syndromes, Hereditary; Tumor predisposition; Hereditary Cancer Syndrome; Hereditary neoplastic syndrome. Identifiers: Orphanet 140162, MedGen C0027672, MeSH D009386, MONDO:0015356.
Familial cancer of breast. Also called: hereditary breast carcinoma; BREAST CANCER, FAMILIAL; Hereditary breast cancer. Identifiers: Orphanet 227535, MedGen C0346153, MONDO:0016419, OMIM 114480. Disease mechanism: loss of function.

Submissions (4):

Labcorp Genetics (formerly Invitae), Labcorp
Classification: Pathogenic for Familial cancer of breast. Last evaluated: 2025-08-13. Review status: criteria provided, single submitter. Criteria: Invitae Variant Classification Sherloc (09022015). Collection method: clinical testing. Allele origin: germline.
Comment: This sequence change creates a premature translational stop signal (p.Ser979Ilefs*11) in the PALB2 gene. It is expected to result in an absent or disrupted protein product. Loss-of-function variants in PALB2 are known to be pathogenic (PMID: 17200668, 17200671, 17200672, 24136930, 25099575). This variant is not present in population databases (gnomAD no frequency). This variant has not been reported in the literature in individuals affected with PALB2-related conditions. ClinVar contains an entry for this variant (Variation ID: 410180). For these reasons, this variant has been classified as Pathogenic.

Blueprint Genetics
Classification: Pathogenic for PALB2-related disorders. Last evaluated: 2024-05-13. Review status: criteria provided, single submitter. Criteria: ACMG Guidelines, 2015. Collection method: clinical testing. Allele origin: germline. Affected: yes. Observed: 1 variant allele.

Myriad Genetics, Inc.
Classification: Pathogenic for Familial cancer of breast. Last evaluated: 2023-09-14. Review status: criteria provided, single submitter. Criteria: Myriad Autosomal Dominant, Autosomal Recessive and X-Linked Classification Criteria (2023). Collection method: clinical testing. Allele origin: unknown.
Comment: This variant is considered pathogenic. This variant creates a frameshift predicted to result in premature protein truncation.

Ambry Genetics
Classification: Pathogenic for Hereditary cancer-predisposing syndrome. Last evaluated: 2019-02-22. Review status: criteria provided, single submitter. Criteria: Ambry Variant Classification Scheme 2023. Collection method: clinical testing. Allele origin: germline.
Comment: The c.2936delG pathogenic mutation, located in coding exon 9 of the PALB2 gene, results from a deletion of one nucleotide at nucleotide position 2936, causing a translational frameshift with a predicted alternate stop codon (p.S979Ifs*11). This mutation has been reported in an individual with ovarian carcinoma (Norquist BM et al. JAMA Oncol, 2016 Apr;2:482-90). This alteration is expected to result in loss of function by premature protein truncation or nonsense-mediated mRNA decay. As such, this alteration is interpreted as a disease-causing mutation.

Literature cited by the submitters: PubMed 17200668 (cited by Labcorp Genetics (formerly Invitae), Labcorp); PubMed 17200671 (cited by Labcorp Genetics (formerly Invitae), Labcorp); PubMed 17200672 (cited by Labcorp Genetics (formerly Invitae), Labcorp); PubMed 24136930 (cited by Labcorp Genetics (formerly Invitae), Labcorp); PubMed 25099575 (cited by Labcorp Genetics (formerly Invitae), Labcorp); PubMed 26720728 (cited by Ambry Genetics).

NM_024675.4(PALB2):c.2936del (p.Ser979fs)

Gene: PALB2 (partner and localizer of BRCA2; minus strand). Cytogenetic location: 16p12.2.
Variant type: Deletion.
Coding change: c.2936del on transcript NM_024675.4 (MANE Select); coding-DNA position 2936, one base deleted (G; older notation c.2936delG).
Protein change: p.Ser979fs; shifts the reading frame from serine 979.
Molecular consequence: frameshift variant.
Genome position (GRCh38, 1-based): chr16:23,623,029, C deleted on the plus strand (G on the coding strand, the reverse complement: PALB2 is on the minus strand). VCF-style (leftmost placement, unchanged base first): chr16-23623028-AC-A. GRCh37 (hg19) VCF-style: chr16-23634349-AC-A.
Other names: c.2936delG (NM_024675.3); short protein forms S979fs.
Identifiers: ClinVar variation 410180 (VCV000410180.14), dbSNP rs1060502781, ClinGen allele CA16614818.